The following is an entry in ClinVar:

ClinVar aggregate classification (germline): Likely pathogenic. Review status: criteria provided, single submitter (1 of 4 stars). 2 submissions from 2 submitters: Likely pathogenic (1). 1 of the submissions does not count toward it. Last evaluated 2024-03-12.

Conditions:
Spastic paraplegia. Identifiers: MedGen C0037772, HP:0001258.
Hereditary spastic paraplegia 15 (SPG15). Also called: KJELLIN SYNDROME; SPASTIC PARAPLEGIA AND RETINAL DEGENERATION; SPASTIC PARAPLEGIA 15, AUTOSOMAL RECESSIVE. Identifiers: Orphanet 100996, MedGen C1849128, MONDO:0010044, OMIM 270700.

Allele frequency attached by ClinVar (database versions not stated): gnomAD exomes below 0.00001; gnomAD 0.00001; TOPMed 0.00002.
gnomAD v4.1: 6 of 1,614,012 alleles (0.00037%); highest among the groups gnomAD compares: Admixed American, 0.0083%; no homozygotes.

Submissions (2):

Labcorp Genetics (formerly Invitae), Labcorp
Classification: Likely pathogenic for Spastic paraplegia. Last evaluated: 2024-03-12. Review status: criteria provided, single submitter. Criteria: Invitae Variant Classification Sherloc (09022015). Collection method: clinical testing. Allele origin: germline.
Comment: This sequence change affects a donor splice site in intron 6 of the ZFYVE26 gene. It is expected to disrupt RNA splicing. Variants that disrupt the donor or acceptor splice site typically lead to a loss of protein function (PMID: 16199547), and loss-of-function variants in ZFYVE26 are known to be pathogenic (PMID: 18394578, 19805727). This variant is present in population databases (no rsID available, gnomAD 0.003%). This variant has not been reported in the literature in individuals affected with ZFYVE26-related conditions. ClinVar contains an entry for this variant (Variation ID: 553398). Algorithms developed to predict the effect of sequence changes on RNA splicing suggest that this variant may disrupt the consensus splice site. In summary, the currently available evidence indicates that the variant is pathogenic, but additional data are needed to prove that conclusively. Therefore, this variant has been classified as Likely Pathogenic.

Counsyl
Classification: Likely pathogenic for Hereditary spastic paraplegia 15. Last evaluated: 2017-08-17. Review status: no assertion criteria provided. Collection method: clinical testing. Allele origin: unknown. Not counted in ClinVar's aggregate classification.

Literature cited by the submitters: PubMed 16199547 (cited by Labcorp Genetics (formerly Invitae), Labcorp); PubMed 18394578 (cited by Labcorp Genetics (formerly Invitae), Labcorp); PubMed 19805727 (cited by Labcorp Genetics (formerly Invitae), Labcorp).

NM_015346.4(ZFYVE26):c.1017+1G>T

Gene: ZFYVE26 (zinc finger FYVE-type containing 26; minus strand). Cytogenetic location: 14q24.1.
Variant type: single nucleotide variant.
Coding change: c.1017+1G>T on transcript NM_015346.4 (MANE Select); the canonical splice donor site of the intron after coding-DNA position 1017, G replaced by T.
Molecular consequence: splice donor variant.
Genome position (GRCh38, 1-based): chr14:67,806,544, C>A on the plus strand (G>T on the coding strand, the complement: ZFYVE26 is on the minus strand). VCF-style: chr14-67806544-C-A. GRCh37 (hg19) VCF-style: chr14-68273261-C-A.
Identifiers: ClinVar variation 553398 (VCV000553398.11), dbSNP rs1224762841, ClinGen allele CA390160091.
Genomic context (GRCh38, chr14:67,806,544, plus strand): 5'-ATGAAAAAGTCTGGGGAGAATCCCTGGGTACCTCTGTGATGAACAATTAAGCTTGACTTA[C>A]CAGAATCTGCTCGAGGAAGTGTTTGTTGTTGCTCAGGCAGTAGAAATAGGCCACTTTCCA-3'